The following is an entry in ClinVar:

NM_006231.4(POLE):c.3133G>A (p.Asp1045Asn)

Gene: POLE (DNA polymerase epsilon, catalytic subunit; minus strand). Cytogenetic location: 12q24.33.
Variant type: single nucleotide variant.
Coding change: c.3133G>A on transcript NM_006231.4 (MANE Select); coding-DNA position 3133, G replaced by A.
Protein change: p.Asp1045Asn; replaces aspartic acid 1045 with asparagine.
Molecular consequence: missense variant.
Genome position (GRCh38, 1-based): chr12:132,659,437, C>T on the plus strand (G>A on the coding strand, the complement: POLE is on the minus strand). VCF-style: chr12-132659437-C-T. GRCh37 (hg19) VCF-style: chr12-133236023-C-T.
Other names: short protein forms D1045N.
Identifiers: ClinVar variation 2845264 (VCV002845264.3), dbSNP rs2138677438, ClinGen allele CA387391053.

ClinVar aggregate classification (germline): Uncertain significance (1 of 4 stars; one submission).

Submission:

Labcorp Genetics (formerly Invitae), Labcorp
Classification: Uncertain significance. Last evaluated: 2023-10-28. Review status: criteria provided, single submitter. Criteria: Invitae Variant Classification Sherloc (09022015). Collection method: clinical testing. Allele origin: germline.
Comment: This sequence change replaces aspartic acid, which is acidic and polar, with asparagine, which is neutral and polar, at codon 1045 of the POLE protein (p.Asp1045Asn). This variant is not present in population databases (gnomAD no frequency). This variant has not been reported in the literature in individuals affected with POLE-related conditions. Advanced modeling of protein sequence and biophysical properties (such as structural, functional, and spatial information, amino acid conservation, physicochemical variation, residue mobility, and thermodynamic stability) performed at Invitae indicates that this missense variant is expected to disrupt POLE protein function with a positive predictive value of 80%. In summary, the available evidence is currently insufficient to determine the role of this variant in disease. Therefore, it has been classified as a Variant of Uncertain Significance.